The following is an entry in ClinVar:

NM_022114.4(PRDM16):c.1518G>A (p.Thr506=)

Gene: PRDM16 (PR/SET domain 16; plus strand). Cytogenetic location: 1p36.32.
Variant type: single nucleotide variant.
Coding change: c.1518G>A on transcript NM_022114.4 (MANE Select); coding-DNA position 1518, G replaced by A.
Protein change: p.Thr506=; no amino-acid change (threonine 506 retained).
Molecular consequence: synonymous variant.
Genome position (GRCh38, 1-based): chr1:3,411,715, G>A. VCF-style: chr1-3411715-G-A. GRCh37 (hg19) VCF-style: chr1-3328279-G-A.
Other names: p.Thr506=; c.1518G>A, p.Thr506= (NM_199454.3).
Identifiers: ClinVar variation 227025 (VCV000227025.25), dbSNP rs368589754, ClinGen allele CA544213.
Genomic context (GRCh38, chr1:3,411,715, plus strand): 5'-CGAGTACTTTCCCTCCAGGCCGCACCCGGGGAGCCTGCCCTTCTCCACGGCGCCTCCCAC[G>A]TTCCCCGCACTCACCCCCGGCTTCCCGGGCATCTTCCCTCCATCCTTGTACCCCCGGCCG-3'
Protein context (NP_071397.3, residues 496-516): GSLPFSTAPP[Thr506=]FPALTPGFPG

ClinVar aggregate classification (germline): Benign. Review status: criteria provided, multiple submitters, no conflicts (2 of 4 stars). 10 submissions from 10 submitters: Benign (7). 3 of the submissions do not count toward it. Last evaluated 2026-02-01.

Conditions:
PRDM16-related disorder. Also called: PRDM16-related condition.
Left ventricular noncompaction 8 (LVNC8). Identifiers: Orphanet 154, Orphanet 54260, MedGen C3809288, MONDO:0014152, OMIM 615373.

Allele frequency attached by ClinVar (database versions not stated): ExAC 0.00144; 1000 Genomes Project 0.00439; ESP Exome Variant Server 0.00447; gnomAD 0.00469; TOPMed 0.00485; 1000 Genomes Project 30x 0.00531.
gnomAD v4.1: 1,518 of 1,610,168 alleles (0.094%); highest among the groups gnomAD compares: African/African-American, 1.7%; 17 homozygotes.

Submissions (10):

Labcorp Genetics (formerly Invitae), Labcorp
Classification: Benign for Left ventricular noncompaction 8. Last evaluated: 2026-02-01. Review status: criteria provided, single submitter. Criteria: Invitae Variant Classification Sherloc (09022015). Collection method: clinical testing. Allele origin: germline.

ARUP Laboratories, Molecular Genetics and Genomics, ARUP Laboratories
Classification: Benign. Last evaluated: 2024-07-30. Review status: criteria provided, single submitter. Criteria: ARUP Molecular Germline Variant Investigation Process 2024. Collection method: clinical testing. Allele origin: germline.

Women's Health and Genetics/Laboratory Corporation of America, LabCorp
Classification: Benign. Last evaluated: 2024-06-17. Review status: criteria provided, single submitter. Criteria: LabCorp Variant Classification Summary - May 2015. Collection method: clinical testing. Allele origin: germline.

Mayo Clinic Laboratories, Mayo Clinic
Classification: Benign. Last evaluated: 2023-02-24. Review status: criteria provided, single submitter. Criteria: ACMG Guidelines, 2015. Collection method: clinical testing. Allele origin: germline. Observed: 6 variant alleles.
Comment: BS1, BS2, BP4, BP7

GeneDx
Classification: Benign. Last evaluated: 2016-12-07. Review status: criteria provided, single submitter. Criteria: GeneDx Variant Classification (06012015). Collection method: clinical testing. Allele origin: germline. Affected: yes.
Comment: This variant is considered likely benign or benign based on one or more of the following criteria: it is a conservative change, it occurs at a poorly conserved position in the protein, it is predicted to be benign by multiple in silico algorithms, and/or has population frequency not consistent with disease.

Laboratory for Molecular Medicine, Mass General Brigham Personalized Medicine
Classification: Benign. Last evaluated: 2014-11-24. Review status: criteria provided, single submitter. Criteria: LMM Criteria. Collection method: clinical testing. Allele origin: germline. Observed: 3 variant alleles.
Comment: Thr506Thr in exon 9 of PRDM16: This variant is not expected to have clinical sig nificance because it does not alter an amino acid residue and is not located wit hin the splice consensus sequence. It has been identified in 1.4% (54/3866) of A frican American chromosomes from a broad population by the NHLBI Exome Sequencin g Project.

Breakthrough Genomics
Classification: Benign. Review status: criteria provided, single submitter. Criteria: ACMG Guidelines, 2015. Collection method: not provided. Allele origin: germline. Inheritance: Autosomal dominant inheritance. Affected: yes.

PreventionGenetics, part of Exact Sciences
Classification: Benign for PRDM16-related condition. Last evaluated: 2019-07-23. Review status: no assertion criteria provided. Collection method: clinical testing. Allele origin: germline. Not counted in ClinVar's aggregate classification.
Comment: This variant is classified as benign based on ACMG/AMP sequence variant interpretation guidelines (Richards et al. 2015 PMID: 25741868, with internal and published modifications).

Clinical Genetics DNA and cytogenetics Diagnostics Lab, Erasmus MC, Erasmus Medical Center
Classification: Benign. Review status: no assertion criteria provided. Collection method: clinical testing. Allele origin: germline. Affected: yes. Study: VKGL Data-share Consensus. Not counted in ClinVar's aggregate classification.

Clinical Genetics, Academic Medical Center
Classification: Benign. Review status: no assertion criteria provided. Collection method: clinical testing. Allele origin: germline. Affected: yes. Study: VKGL Data-share Consensus. Not counted in ClinVar's aggregate classification.